The following is an entry in ClinVar:

NM_000168.6(GLI3):c.2003C>T (p.Pro668Leu)

Gene: GLI3 (GLI family zinc finger 3; minus strand). Cytogenetic location: 7p14.1.
Variant type: single nucleotide variant.
Coding change: c.2003C>T on transcript NM_000168.6 (MANE Select); coding-DNA position 2003, C replaced by T.
Protein change: p.Pro668Leu; replaces proline 668 with leucine.
Molecular consequence: missense variant.
Genome position (GRCh38, 1-based): chr7:41,972,437, G>A on the plus strand (C>T on the coding strand, the complement: GLI3 is on the minus strand). VCF-style: chr7-41972437-G-A. GRCh37 (hg19) VCF-style: chr7-42012036-G-A.
Other names: p. (Pro668Leu); c.2003C>T (NM_000168.5); short protein forms P668L.
Identifiers: ClinVar variation 2161909 (VCV002161909.10), dbSNP rs143009880, ClinGen allele CA4230709.
Genomic context (GRCh38, chr7:41,972,437, plus strand): 5'-TCTTCCCGCTTTGAGGTAGTGTTGCTGAGGTCCTGCTGCTCACCAAGGGCTCCCTGAGTC[G>A]GTCGGCCAGGCGACCTGGACTGTGAATGGCTGCCGGAATCTCTCGGGGGTGGCGGCCGAG-3'
Protein context (NP_000159.3, residues 658-678): SHSQSRSPGR[Pro668Leu]TQGALGEQQD

ClinVar aggregate classification (germline): Conflicting classifications of pathogenicity. Review status: criteria provided, conflicting classifications (1 of 4 stars). 5 submissions from 5 submitters: Pathogenic (1); Benign (1); Likely benign (2). 1 of the submissions does not count toward it. Last evaluated 2025-03-10.

Conditions:
Inborn genetic diseases. Identifiers: MedGen C0950123, MeSH D030342.
Polydactyly, postaxial, type A1. Identifiers: MedGen C4282400, MONDO:0008266, OMIM 174200.
GLI3-related disorder. Also called: GLI3-related condition; GLI3-related disorders. Identifiers: MedGen CN239292.
Greig cephalopolysyndactyly syndrome (GCPS). Also called: GLI3-Related Greig Cephalopolysyndactyly Syndrome; Greig syndrome; POLYSYNDACTYLY WITH PECULIAR SKULL SHAPE. Identifiers: Orphanet 380, MedGen C0265306, MONDO:0008287, OMIM 175700.
Pallister-Hall syndrome (PHS). Also called: GLI3-Related Pallister-Hall Syndrome; HYPOTHALAMIC HAMARTOBLASTOMA, HYPOPITUITARISM, IMPERFORATE ANUS, AND POSTAXIAL POLYDACTYLY. Identifiers: Orphanet 672, MedGen C0265220, MONDO:0007804, OMIM 146510.

Allele frequency attached by ClinVar (database versions not stated): ExAC 0.00006; ESP Exome Variant Server 0.00015.
gnomAD v4.1: 70 of 1,613,626 alleles (0.0043%); highest among the groups gnomAD compares: Admixed American, 0.012%; no homozygotes.

Submissions (5):

Ambry Genetics
Classification: Likely benign for Inborn genetic diseases. Last evaluated: 2025-03-10. Review status: criteria provided, single submitter. Criteria: Ambry Variant Classification Scheme 2023. Collection method: clinical testing. Allele origin: germline.

Human Molecular Lab, Hazara University
Classification: Pathogenic for Polydactyly, postaxial, type A1. Last evaluated: 2024-12-01. Review status: criteria provided, single submitter. Criteria: ACMG Guidelines, 2015. Collection method: research. Allele origin: germline. Inheritance: Autosomal dominant inheritance. Affected: yes. Observed: 3 heterozygotes. Clinical features observed: Postaxial polydactyly (HP:0100259).
Comment: A segregation study conducted on a single Pakistani family revealed that three individuals—mother, son, and daughter—were all affected by bilateral postaxial polydactyly. In addition to this, they also exhibited syndactyly. The identified variant (c.2003C>T; p. P668L) was present in a heterozygous state in all three affected individuals of the family and was absent from the healthy family members and controls.

Labcorp Genetics (formerly Invitae), Labcorp
Classification: Benign for Pallister-Hall syndrome; Greig cephalopolysyndactyly syndrome. Last evaluated: 2022-09-14. Review status: criteria provided, single submitter. Criteria: Invitae Variant Classification Sherloc (09022015). Collection method: clinical testing. Allele origin: germline.

Blueprint Genetics
Classification: Likely benign. Last evaluated: 2020-09-07. Review status: criteria provided, single submitter. Criteria: ACMG Guidelines, 2015. Collection method: clinical testing. Allele origin: germline.

PreventionGenetics, part of Exact Sciences
Classification: Likely benign for GLI3-related condition. Last evaluated: 2022-08-16. Review status: no assertion criteria provided. Collection method: clinical testing. Allele origin: germline. Not counted in ClinVar's aggregate classification.
Comment: This variant is classified as likely benign based on ACMG/AMP sequence variant interpretation guidelines (Richards et al. 2015 PMID: 25741868, with internal and published modifications).